The following is an entry in ClinVar:

NM_198578.4(LRRK2):c.3496+5G>C

Gene: LRRK2 (leucine rich repeat kinase 2; plus strand). Cytogenetic location: 12q12.
Variant type: single nucleotide variant.
Coding change: c.3496+5G>C on transcript NM_198578.4 (MANE Select); 5 bases into the intron after coding-DNA position 3496, G replaced by C.
Molecular consequence: intron variant.
Genome position (GRCh38, 1-based): chr12:40,299,262, G>C. VCF-style: chr12-40299262-G-C. GRCh37 (hg19) VCF-style: chr12-40693064-G-C.
Identifiers: ClinVar variation 3645204 (VCV003645204.2).
Genomic context (GRCh38, chr12:40,299,262, plus strand): 5'-CTTTCTTGAGGCTTGTCCTAAAGTGGAGAGTTTCAGTGCCAGAATGAATTTTCTTGGTAA[G>C]TGTTCTGTGTGGGTCTCCTCCTTACCAGGCCCTCTAAGTTGTACAAGATGAGTCATATAT-3'

ClinVar aggregate classification (germline): Uncertain significance (1 of 4 stars; one submission).

Conditions:
Autosomal dominant Parkinson disease 8. Also called: Parkinson disease 8, susceptibility to; LRRK2-Related Parkinson Disease; Parkinson disease 8. Identifiers: Orphanet 411602, MedGen C1846862, MONDO:0011764, OMIM 607060.

Submission:

Labcorp Genetics (formerly Invitae), Labcorp
Classification: Uncertain significance for Autosomal dominant Parkinson disease 8. Last evaluated: 2024-03-09. Review status: criteria provided, single submitter. Criteria: Invitae Variant Classification Sherloc (09022015). Collection method: clinical testing. Allele origin: germline.
Comment: This sequence change falls in intron 25 of the LRRK2 gene. It does not directly change the encoded amino acid sequence of the LRRK2 protein. It affects a nucleotide within the consensus splice site. This variant is not present in population databases (gnomAD no frequency). This variant has not been reported in the literature in individuals affected with LRRK2-related conditions. Variants that disrupt the consensus splice site are a relatively common cause of aberrant splicing (PMID: 17576681, 9536098). Algorithms developed to predict the effect of sequence changes on RNA splicing suggest that this variant may disrupt the consensus splice site. In summary, the available evidence is currently insufficient to determine the role of this variant in disease. Therefore, it has been classified as a Variant of Uncertain Significance.

Literature cited by the submitters: PubMed 17576681; PubMed 9536098.